The following is an entry in ClinVar:

NM_138773.4(SLC25A46):c.956C>G (p.Ala319Gly)

Gene: SLC25A46 (solute carrier family 25 member 46; plus strand). Cytogenetic location: 5q22.1.
Variant type: single nucleotide variant.
Coding change: c.956C>G on transcript NM_138773.4 (MANE Select); coding-DNA position 956, C replaced by G.
Protein change: p.Ala319Gly; replaces alanine 319 with glycine.
Molecular consequence: missense variant. On other transcripts: non-coding transcript variant (1).
Genome position (GRCh38, 1-based): chr5:110,761,481, C>G. VCF-style: chr5-110761481-C-G. GRCh37 (hg19) VCF-style: chr5-110097181-C-G.
Other names: c.713C>G, p.Ala238Gly (NM_001303249.3); c.683C>G, p.Ala228Gly (NM_001303250.3); short protein forms A228G, A238G, A319G.
Identifiers: ClinVar variation 4730294 (VCV004730294.1).

ClinVar aggregate classification (germline): Uncertain significance (1 of 4 stars; one submission).

Conditions:
Neuropathy, hereditary motor and sensory, type 6B (HMSN6B). Also called: NEUROPATHY, HEREDITARY MOTOR AND SENSORY, TYPE VIB, WITH OPTIC ATROPHY; Neuropathy, hereditary motor and sensory, type VIB; HMSN VIB; CHARCOT-MARIE-TOOTH DISEASE, TYPE 6B. Identifiers: MedGen C4225302, MONDO:0014671, OMIM 616505.

gnomAD v4.1: 9 of 1,613,692 alleles (0.00056%); highest among the groups gnomAD compares: South Asian, 0.0044%; no homozygotes.

Submission:

Labcorp Genetics (formerly Invitae), Labcorp
Classification: Uncertain significance for Neuropathy, hereditary motor and sensory, type 6B. Last evaluated: 2025-04-08. Review status: criteria provided, single submitter. Criteria: Invitae Variant Classification Sherloc (09022015). Collection method: clinical testing. Allele origin: germline.
Comment: This sequence change replaces alanine, which is neutral and non-polar, with glycine, which is neutral and non-polar, at codon 319 of the SLC25A46 protein (p.Ala319Gly). This variant is present in population databases (no rsID available, gnomAD 0.0009%). This variant has not been reported in the literature in individuals affected with SLC25A46-related conditions. Invitae Evidence Modeling of protein sequence and biophysical properties (such as structural, functional, and spatial information, amino acid conservation, physicochemical variation, residue mobility, and thermodynamic stability) indicates that this missense variant is not expected to disrupt SLC25A46 protein function with a negative predictive value of 80%. In summary, the available evidence is currently insufficient to determine the role of this variant in disease. Therefore, it has been classified as a Variant of Uncertain Significance.